The following is an entry in ClinVar:

NM_022124.6(CDH23):c.4498T>A (p.Ser1500Thr)

Gene: CDH23 (cadherin related 23; plus strand). Cytogenetic location: 10q22.1.
Variant type: single nucleotide variant.
Coding change: c.4498T>A on transcript NM_022124.6 (MANE Select); coding-DNA position 4498, T replaced by A.
Protein change: p.Ser1500Thr; replaces serine 1500 with threonine.
Molecular consequence: missense variant.
Genome position (GRCh38, 1-based): chr10:71,740,831, T>A. VCF-style: chr10-71740831-T-A. GRCh37 (hg19) VCF-style: chr10-73500588-T-A.
Other names: short protein forms S1500T.
Identifiers: ClinVar variation 45948 (VCV000045948.14), dbSNP rs375641853, ClinGen allele CA137431.
Genomic context (GRCh38, chr10:71,740,831, plus strand): 5'-ATCCTGCCCGCCACGCTTTAGCCCTGACTCCAGTTGCCCTCCTCCTTGCAGGTTGTGGCT[T>A]CTGACCGAGGCACCCCTCCACGGAAGAAGGACCACATCCTGCAGGTGACCATCCTGGACA-3'
Protein context (NP_071407.4, residues 1490-1510): LDHYILQVVA[Ser1500Thr]DRGTPPRKKD

ClinVar aggregate classification (germline): Conflicting classifications of pathogenicity. Review status: criteria provided, conflicting classifications (1 of 4 stars). 6 submissions from 6 submitters: Uncertain significance (4); Likely benign (1). 1 of the submissions does not count toward it. Last evaluated 2026-01-09.

Conditions:
Inborn genetic diseases. Identifiers: MedGen C0950123, MeSH D030342.
Usher syndrome type 1 (USH1). Also called: RETINITIS PIGMENTOSA AND CONGENITAL DEAFNESS. Identifiers: Orphanet 231169, Orphanet 886, MedGen C1568247, MONDO:0010168, OMIM 276900.

Allele frequency attached by ClinVar (database versions not stated): gnomAD exomes 0.00002 and 0.00005; ExAC 0.00005; ESP Exome Variant Server 0.00008; gnomAD 0.00014 and 0.00015; TOPMed 0.00017; 1000 Genomes Project 30x 0.00031; 1000 Genomes Project 0.00040.
gnomAD v4.1: 53 of 1,613,794 alleles (0.0033%); highest among the groups gnomAD compares: African/African-American, 0.065%; no homozygotes.

Submissions (6):

Labcorp Genetics (formerly Invitae), Labcorp
Classification: Likely benign. Last evaluated: 2026-01-09. Review status: criteria provided, single submitter. Criteria: Invitae Variant Classification Sherloc (09022015). Collection method: clinical testing. Allele origin: germline.

GeneDx
Classification: Uncertain significance. Last evaluated: 2025-04-10. Review status: criteria provided, single submitter. Criteria: GeneDx Variant Classification Process June 2021. Collection method: clinical testing. Allele origin: germline. Affected: yes.
Comment: In silico analysis supports that this missense variant has a deleterious effect on protein structure/function; Has not been previously published as pathogenic or benign to our knowledge

Ambry Genetics
Classification: Uncertain significance for Inborn genetic diseases. Last evaluated: 2025-01-22. Review status: criteria provided, single submitter. Criteria: Ambry Variant Classification Scheme 2023. Collection method: clinical testing. Allele origin: germline.

Blueprint Genetics
Classification: Uncertain significance. Last evaluated: 2019-11-13. Review status: criteria provided, single submitter. Criteria: ACMG Guidelines, 2015. Collection method: clinical testing. Allele origin: germline.

Laboratory for Molecular Medicine, Mass General Brigham Personalized Medicine
Classification: Uncertain significance. Last evaluated: 2011-06-21. Review status: criteria provided, single submitter. Criteria: LMM Criteria. Collection method: clinical testing. Allele origin: germline. Observed: 1 variant allele.
Comment: Variant classified as Uncertain Significance - Favor Benign. The Ser1500Thr vari ant in CDH23 has not been reported in the literature nor previously identified b y our laboratory. This residue is not highly conserved in mammals and computatio nal analyses (PolyPhen2, SIFT, AlignGVGD) do not suggest a high likelihood of im pact to the protein. However, this information is not predictive enough to rule out pathogenicity. It should be noted that this lab has only sequenced CDH23 in 15 Black probands and no Black healthy controls. In addition, healthy control in formation is limited in either public databases or scientific literature, such t hat the full spectrum of benign variation has not yet been defined for this gene . Future analysis could reveal that the Leu2009His variant is common in this pop ulation and therefore unlikely to be pathogenic. In summary, the clinical signif icance of this variant cannot be determined with certainty at this time.

Natera, Inc.
Classification: Uncertain significance for Usher syndrome type 1. Last evaluated: 2019-10-28. Review status: no assertion criteria provided. Collection method: clinical testing. Allele origin: germline. Not counted in ClinVar's aggregate classification.